The following is an entry in ClinVar:

ClinVar aggregate classification (germline): Uncertain significance (1 of 4 stars; one submission).

Conditions:
Dilated cardiomyopathy 1AA (CMD1AA). Also called: Cardiomyopathy, dilated, 1AA, with or without LVNC; CARDIOMYOPATHY, DILATED, 1AA, WITH OR WITHOUT LEFT VENTRICULAR NONCOMPACTION; CARDIOMYOPATHY, FAMILIAL HYPERTROPHIC, 23, WITH OR WITHOUT LEFT VENTRICULAR NONCOMPACTION. Identifiers: Orphanet 154, MedGen C2677338, MONDO:0012808, OMIM 612158.
Primary familial hypertrophic cardiomyopathy (HCM). Identifiers: Orphanet 99739, MedGen C0949658, MeSH D024741, MONDO:0024573. Inheritance: Various modes of inheritance.

Submission:

Labcorp Genetics (formerly Invitae), Labcorp
Classification: Uncertain significance for Primary familial hypertrophic cardiomyopathy; Dilated cardiomyopathy 1AA. Last evaluated: 2025-05-26. Review status: criteria provided, single submitter. Criteria: Invitae Variant Classification Sherloc (09022015). Collection method: clinical testing. Allele origin: germline.
Comment: This sequence change replaces glutamine, which is neutral and polar, with proline, which is neutral and non-polar, at codon 812 of the ACTN2 protein (p.Gln812Pro). This variant is not present in population databases (gnomAD no frequency). This variant has not been reported in the literature in individuals affected with ACTN2-related conditions. ClinVar contains an entry for this variant (Variation ID: 3760882). An algorithm developed to predict the effect of missense changes on protein structure and function (PolyPhen-2) suggests that this variant is likely to be disruptive. In summary, the available evidence is currently insufficient to determine the role of this variant in disease. Therefore, it has been classified as a Variant of Uncertain Significance.

NM_001103.4(ACTN2):c.2435A>C (p.Gln812Pro)

Gene: ACTN2 (actinin alpha 2; plus strand). Cytogenetic location: 1q43.
Variant type: single nucleotide variant.
Coding change: c.2435A>C on transcript NM_001103.4 (MANE Select); coding-DNA position 2435, A replaced by C.
Protein change: p.Gln812Pro; replaces glutamine 812 with proline.
Molecular consequence: missense variant. On other transcripts: non-coding transcript variant (1).
Genome position (GRCh38, 1-based): chr1:236,761,082, A>C. VCF-style: chr1-236761082-A-C. GRCh37 (hg19) VCF-style: chr1-236924382-A-C.
Other names: c.2435A>C, p.Gln812Pro (NM_001278343.2); short protein forms Q812P.
Identifiers: ClinVar variation 3760882 (VCV003760882.2).